The following is an entry in ClinVar:

ClinVar aggregate classification (germline): Uncertain significance. Review status: criteria provided, multiple submitters, no conflicts (2 of 4 stars). 8 submissions from 8 submitters: Uncertain significance (7). 1 of the submissions does not count toward it. Last evaluated 2025-06-05.

Conditions:
RPGRIP1L-related disorder. Also called: RPGRIP1L-related condition; RPGRIP1L-related disorders. Identifiers: MedGen CN239416.
Meckel syndrome, type 5 (MKS5). Identifiers: Orphanet 564, MedGen C1969052, MONDO:0012695, OMIM 611561.
COACH syndrome 3. Identifiers: MedGen C5436841, MONDO:0030862, OMIM 619113.
Joubert syndrome 7 (JBTS7). Identifiers: Orphanet 220497, MedGen C1969053, MONDO:0012694, OMIM 611560.
Inborn genetic diseases. Identifiers: MedGen C0950123, MeSH D030342.
Joubert syndrome. Also called: Familial aplasia of the vermis; JOUBERT-BOLTSHAUSER SYNDROME. Identifiers: Orphanet 475, MedGen C5979921, MONDO:0018772.
Meckel-Gruber syndrome. Also called: GRUBER SYNDROME; Dysencephalia splachnocystica; DYSENCEPHALIA SPLANCHNOCYSTICA. Identifiers: Orphanet 564, MedGen C0265215, MONDO:0018921.

Allele frequency attached by ClinVar (database versions not stated): gnomAD 0.00003; ExAC 0.00004; TOPMed 0.00004; gnomAD exomes 0.00006 and 0.00008; ESP Exome Variant Server 0.00023.
gnomAD v4.1: 114 of 1,613,886 alleles (0.0071%); highest among the groups gnomAD compares: Non-Finnish European, 0.0086%; 1 homozygote.

Submissions (8):

PreventionGenetics, part of Exact Sciences
Classification: Uncertain significance for RPGRIP1L-related condition. Last evaluated: 2025-06-05. Review status: criteria provided, single submitter. Criteria: ACMG Guidelines, 2015. Collection method: clinical testing. Allele origin: germline.
Comment: The RPGRIP1L c.3715G>A variant is predicted to result in the amino acid substitution p.Val1239Met. This variant was reported in an individual with myelomeningocele; however, no additional studies were done to assess its pathogenicity (Au et al. 2021. PubMed ID: 33574475). This variant is reported in 0.0093% of alleles in individuals of European (Non-Finnish) descent in gnomAD. Although we suspect this variant may be benign, at this time, the clinical significance of this variant is uncertain due to the absence of conclusive functional and genetic evidence.

Ambry Genetics
Classification: Uncertain significance for Inborn genetic diseases. Last evaluated: 2025-03-19. Review status: criteria provided, single submitter. Criteria: Ambry Variant Classification Scheme 2023. Collection method: clinical testing. Allele origin: germline.

GeneDx
Classification: Uncertain significance. Last evaluated: 2024-12-12. Review status: criteria provided, single submitter. Criteria: GeneDx Variant Classification Process June 2021. Collection method: clinical testing. Allele origin: germline. Affected: yes.
Comment: Reported in a patient with myelomeningocele in published literature (PMID: 33574475); Not observed at significant frequency in large population cohorts (gnomAD); In silico analysis supports that this missense variant has a deleterious effect on protein structure/function; This variant is associated with the following publications: (PMID: 33574475)

Blueprint Genetics
Classification: Uncertain significance. Last evaluated: 2024-11-22. Review status: criteria provided, single submitter. Criteria: ACMG Guidelines, 2015. Collection method: clinical testing. Allele origin: germline.

Labcorp Genetics (formerly Invitae), Labcorp
Classification: Uncertain significance for Joubert syndrome; Meckel-Gruber syndrome. Last evaluated: 2024-10-25. Review status: criteria provided, single submitter. Criteria: Invitae Variant Classification Sherloc (09022015). Collection method: clinical testing. Allele origin: germline.
Comment: This sequence change replaces valine, which is neutral and non-polar, with methionine, which is neutral and non-polar, at codon 1239 of the RPGRIP1L protein (p.Val1239Met). This variant is present in population databases (rs142387463, gnomAD 0.01%). This variant has not been reported in the literature in individuals affected with RPGRIP1L-related conditions. ClinVar contains an entry for this variant (Variation ID: 195977). Invitae Evidence Modeling of protein sequence and biophysical properties (such as structural, functional, and spatial information, amino acid conservation, physicochemical variation, residue mobility, and thermodynamic stability) indicates that this missense variant is expected to disrupt RPGRIP1L protein function with a positive predictive value of 80%. In summary, the available evidence is currently insufficient to determine the role of this variant in disease. Therefore, it has been classified as a Variant of Uncertain Significance.

Fulgent Genetics
Classification: Uncertain significance for Joubert syndrome 7; Meckel syndrome, type 5; COACH syndrome 3. Last evaluated: 2024-02-16. Review status: criteria provided, single submitter. Criteria: ACMG Guidelines, 2015. Collection method: clinical testing. Allele origin: germline.

Eurofins Ntd Llc (ga)
Classification: Uncertain significance. Last evaluated: 2015-01-05. Review status: criteria provided, single submitter. Criteria: EGL Classification Definitions 2015. Collection method: clinical testing. Allele origin: germline. Observed: 1 variant allele, 1 heterozygote.

Natera, Inc.
Classification: Uncertain significance for Joubert syndrome. Last evaluated: 2019-11-11. Review status: no assertion criteria provided. Collection method: clinical testing. Allele origin: germline. Not counted in ClinVar's aggregate classification.

NM_015272.5(RPGRIP1L):c.3715G>A (p.Val1239Met)

Gene: RPGRIP1L (RPGRIP1 like; minus strand). Cytogenetic location: 16q12.2.
Variant type: single nucleotide variant.
Coding change: c.3715G>A on transcript NM_015272.5 (MANE Select); coding-DNA position 3715, G replaced by A.
Protein change: p.Val1239Met; replaces valine 1239 with methionine.
Molecular consequence: missense variant.
Genome position (GRCh38, 1-based): chr16:53,605,601, C>T on the plus strand (G>A on the coding strand, the complement: RPGRIP1L is on the minus strand). VCF-style: chr16-53605601-C-T. GRCh37 (hg19) VCF-style: chr16-53639513-C-T.
Other names: c.3475G>A, p.Val1159Met (NM_001127897.4); c.3577G>A, p.Val1193Met (NM_001308334.3); c.3613G>A, p.Val1205Met (NM_001330538.2); c.3715G>A (NM_015272.4); short protein forms V1159M, V1239M, V1205M, V1193M.
Identifiers: ClinVar variation 195977 (VCV000195977.17), dbSNP rs142387463, ClinGen allele CA242705.